The following is an entry in ClinVar:

NM_018972.4(GDAP1):c.840del (p.Tyr279_Tyr280insTer)

Gene: GDAP1 (ganglioside induced differentiation associated protein 1; plus strand). Cytogenetic location: 8q21.11.
Variant type: Deletion.
Coding change: c.840del on transcript NM_018972.4 (MANE Select); coding-DNA position 840, one base deleted (C; older notation c.840delC).
Protein change: p.Tyr279_Tyr280insTer.
Molecular consequence: nonsense. On other transcripts: intron variant (1).
Genome position (GRCh38, 1-based): chr8:74,364,130, C deleted. VCF-style (leftmost placement, unchanged base first): chr8-74364129-AC-A. GRCh37 (hg19) VCF-style: chr8-75276364-AC-A.
Other names: c.636del, p.Tyr211_Tyr212insTer (NM_001040875.4); c.513del, p.Tyr170_Tyr171insTer (NM_001362929.2, NM_001362932.2); c.666del, p.Tyr221_Tyr222insTer (NM_001362930.2); c.840delC (NM_018972.4, NM_018972.2); c.694+1077del (NM_001362931.2).
Identifiers: ClinVar variation 637127 (VCV000637127.9), dbSNP rs1586807387, ClinGen allele CA915945747.

ClinVar aggregate classification (germline): Pathogenic/Likely pathogenic. Review status: criteria provided, multiple submitters, no conflicts (2 of 4 stars). 7 submissions from 7 submitters: Pathogenic (3); Likely pathogenic (1). 3 of the submissions do not count toward it. Last evaluated 2025-12-08.

Conditions:
Charcot-Marie-Tooth disease type 4A. Also called: Charcot-Marie-Tooth disease, demyelinating, autosomal recessive, type 4a. Identifiers: Orphanet 99948, MedGen C1859198, MONDO:0008961, OMIM 214400.
Charcot-Marie-Tooth disease axonal type 2K (CMT2K). Also called: CHARCOT-MARIE-TOOTH DISEASE, AXONAL, AUTOSOMAL RECESSIVE, TYPE 2K; CHARCOT-MARIE-TOOTH NEUROPATHY, AXONAL, TYPE 2K; Charcot-Marie-Tooth disease type 2K. Identifiers: Orphanet 101097, Orphanet 99944, MedGen C1842983, MONDO:0011916, OMIM 607831.
Charcot-Marie-Tooth disease. Also called: Charcot-Marie-Tooth Neuropathy; Charcot-Marie-Tooth Hereditary Neuropathy. Identifiers: Orphanet 166, MedGen C0007959, MONDO:0015626.

Allele frequency attached by ClinVar (database versions not stated): gnomAD exomes below 0.00001.

Submissions (7):

3billion
Classification: Likely pathogenic for Charcot-Marie-Tooth disease type 4A. Last evaluated: 2025-12-08. Review status: criteria provided, single submitter. Criteria: ACMG Guidelines, 2015. Collection method: clinical testing. Allele origin: germline. Affected: yes.
Comment: The variant is observed at an extremely low frequency in the gnomAD v4.1.0 dataset (total allele frequency: <0.001%). Predicted Consequence/Location: Stop-gained (nonsense): predicted to result in a loss or disruption of normal protein function through protein truncation. The predicted truncated protein may be shortened by more than 10%. The variant has been reported at least twice as pathogenic without evidence for the classification (ClinVar ID: VCV000637127 /PMID: 25231362). Therefore, this variant is classified as Likely pathogenic according to the recommendation of ACMG/AMP guideline.

GeneDx
Classification: Pathogenic. Last evaluated: 2024-04-24. Review status: criteria provided, single submitter. Criteria: GeneDx Variant Classification Process June 2021. Collection method: clinical testing. Allele origin: germline. Affected: yes.
Comment: Nonsense variant in the C-terminus predicted to result in protein truncation, as the last 79 amino acids are lost, and other loss-of-function variants have been reported downstream in the Human Gene Mutation Database (HGMD); Not observed in large population cohorts (gnomAD); This variant is associated with the following publications: (PMID: 32376792, 25231362)

Labcorp Genetics (formerly Invitae), Labcorp
Classification: Pathogenic for Charcot-Marie-Tooth disease type 4A. Last evaluated: 2023-08-23. Review status: criteria provided, single submitter. Criteria: Invitae Variant Classification Sherloc (09022015). Collection method: clinical testing. Allele origin: germline.
Comment: For these reasons, this variant has been classified as Pathogenic. This variant disrupts a region of the GDAP1 protein in which other variant(s) (p.Arg341Glnfs*12) have been determined to be pathogenic (Invitae). This suggests that this is a clinically significant region of the protein, and that variants that disrupt it are likely to be disease-causing. ClinVar contains an entry for this variant (Variation ID: 637127). This premature translational stop signal has been observed in individual(s) with autosomal recessive Charcot-Marie-Tooth disease (PMID: 25231362, 32376792). This variant is not present in population databases (gnomAD no frequency). This sequence change creates a premature translational stop signal (p.Tyr280*) in the GDAP1 gene. While this is not anticipated to result in nonsense mediated decay, it is expected to disrupt the last 79 amino acid(s) of the GDAP1 protein.

Sadaf Naz Human Genetics Laboratory, University of the Punjab
Classification: Pathogenic for Charcot-Marie-Tooth disease type 4A. Last evaluated: 2017-09-29. Review status: criteria provided, single submitter. Criteria: ACMG Guidelines, 2015. Collection method: research. Allele origin: germline. Inheritance: Autosomal recessive inheritance. Affected: yes.
Comment: The variant Tyr280Ter causes Charcot-Marie-Tooth disease (CMT). Patients exhibit gait disturbances, hand and feet contractures, valgus wrist and ankles. Patients had atrophy in distal limb muscles. The variant is absent in the gnomAD and 600 chromosomes of the ethnically matched control population. The variant had also been reported previously in another individual having delayed developmental milestones, muscle atrophy of hands and distal legs and a bilateral foot drop. In summary, we classify the variant Tyr280Ter as pathogenic based on our segregation analysis and absence of the variant in public databases and ethnically matched control population.

Hong-Tao Li Lab, Institute of Brain Science and Brain-inspired Research, Shandong First Medical University & Shandong Academy of Medical Sciences China
Classification: Pathogenic for CMT4A. Last evaluated: 2026-06-28. Review status: no assertion criteria provided. Collection method: research. Allele origin: germline. Inheritance: Autosomal recessive inheritance. Affected: yes. Observed: 1 variant allele, 1 homozygote. Not counted in ClinVar's aggregate classification.

Inherited Neuropathy Consortium Ii, University Of Miami
Classification: Uncertain significance for Charcot-Marie-Tooth disease axonal type 2K. Last evaluated: 2016-01-06. Review status: no assertion criteria provided. Collection method: literature only. Allele origin: germline. Affected: yes. Not counted in ClinVar's aggregate classification.

Inherited Neuropathy Consortium
Classification: Uncertain significance for Charcot-Marie-Tooth disease. Review status: no assertion criteria provided. Collection method: literature only. Allele origin: germline. Affected: yes. Not counted in ClinVar's aggregate classification.

Literature cited by the submitters: PubMed 25231362 (cited by 5 submitters); PubMed 32376792 (cited by Labcorp Genetics (formerly Invitae), Labcorp).